The following is an entry in ClinVar:

NM_012431.3(SEMA3E):c.1049G>A (p.Arg350Gln)

Gene: SEMA3E (semaphorin 3E; minus strand). Cytogenetic location: 7q21.11.
Variant type: single nucleotide variant.
Coding change: c.1049G>A on transcript NM_012431.3 (MANE Select); coding-DNA position 1049, G replaced by A.
Protein change: p.Arg350Gln; replaces arginine 350 with glutamine.
Molecular consequence: missense variant.
Genome position (GRCh38, 1-based): chr7:83,402,726, C>T on the plus strand (G>A on the coding strand, the complement: SEMA3E is on the minus strand). VCF-style: chr7-83402726-C-T. GRCh37 (hg19) VCF-style: chr7-83032042-C-T.
Other names: c.869G>A, p.Arg290Gln (NM_001178129.2); short protein forms R290Q, R350Q.
Identifiers: ClinVar variation 653968 (VCV000653968.10), dbSNP rs748722795, ClinGen allele CA4322119.

ClinVar aggregate classification (germline): Uncertain significance. Review status: criteria provided, multiple submitters, no conflicts (2 of 4 stars). 5 submissions from 5 submitters: Uncertain significance (4). 1 of the submissions does not count toward it. Last evaluated 2025-09-28.

Conditions:
CHARGE syndrome (CHARGE). Also called: Coloboma, heart anomaly, choanal atresia, retardation, genital and ear anomalies; CHARGE association; Hall-Hittner syndrome; Hittner Hirsch Kreh syndrome; CHARGE ASSOCIATION--COLOBOMA, HEART ANOMALY, CHOANAL ATRESIA, RETARDATION, GENITAL AND EAR ANOMALIES. Identifiers: Orphanet 138, MedGen C0265354, MONDO:0008965.
SEMA3E-related disorder. Also called: SEMA3E-related condition.
Hypogonadotropic hypogonadism 7 with or without anosmia (HH7). Also called: GNRHR-Related GnRH Deficiency; HYPOGONADOTROPIC HYPOGONADISM 7 WITHOUT ANOSMIA. Identifiers: Orphanet 432, MedGen C0342384, MONDO:0007794, OMIM 146110.

Allele frequency attached by ClinVar (database versions not stated): ExAC 0.00001; gnomAD 0.00001; gnomAD exomes 0.00002.
gnomAD v4.1: 49 of 1,612,676 alleles (0.003%); highest among the groups gnomAD compares: Middle Eastern, 0.016%; no homozygotes.

Submissions (5):

Labcorp Genetics (formerly Invitae), Labcorp
Classification: Uncertain significance for CHARGE syndrome. Last evaluated: 2025-09-28. Review status: criteria provided, single submitter. Criteria: Invitae Variant Classification Sherloc (09022015). Collection method: clinical testing. Allele origin: germline.
Comment: This sequence change replaces arginine, which is basic and polar, with glutamine, which is neutral and polar, at codon 350 of the SEMA3E protein (p.Arg350Gln). This variant is present in population databases (rs748722795, gnomAD 0.004%). This variant has not been reported in the literature in individuals affected with SEMA3E-related conditions. ClinVar contains an entry for this variant (Variation ID: 653968). Invitae Evidence Modeling of protein sequence and biophysical properties (such as structural, functional, and spatial information, amino acid conservation, physicochemical variation, residue mobility, and thermodynamic stability) indicates that this missense variant is not expected to disrupt SEMA3E protein function with a negative predictive value of 80%. In summary, the available evidence is currently insufficient to determine the role of this variant in disease. Therefore, it has been classified as a Variant of Uncertain Significance.

Ambry Genetics
Classification: Uncertain significance. Last evaluated: 2024-08-11. Review status: criteria provided, single submitter. Criteria: Ambry Variant Classification Scheme 2023. Collection method: clinical testing. Allele origin: germline.

Fulgent Genetics
Classification: Uncertain significance for Hypogonadotropic hypogonadism 7 with or without anosmia; CHD7-related CHARGE syndrome. Last evaluated: 2021-12-13. Review status: criteria provided, single submitter. Criteria: ACMG Guidelines, 2015. Collection method: clinical testing. Allele origin: unknown.

Breakthrough Genomics
Classification: Uncertain significance. Review status: criteria provided, single submitter. Criteria: ACMG Guidelines, 2015. Collection method: not provided. Allele origin: germline. Inheritance: Autosomal recessive inheritance. Affected: yes.

PreventionGenetics, part of Exact Sciences
Classification: Uncertain significance for SEMA3E-related condition. Last evaluated: 2024-04-09. Review status: no assertion criteria provided. Collection method: clinical testing. Allele origin: germline. Not counted in ClinVar's aggregate classification.
Comment: The SEMA3E c.1049G>A variant is predicted to result in the amino acid substitution p.Arg350Gln. To our knowledge, this variant has not been reported in the literature. This variant is reported in 0.0044% of alleles in individuals of European (Non-Finnish) descent in gnomAD. At this time, the clinical significance of this variant is uncertain due to the absence of conclusive functional and genetic evidence.